The following is an entry in ClinVar:

ClinVar aggregate classification (germline): Uncertain significance (1 of 4 stars; one submission).

Conditions:
Peroxisome biogenesis disorder. Identifiers: Orphanet 79189, MedGen C1832200, MONDO:0019234. Disease mechanism: loss of function.

Allele frequency attached by ClinVar (database versions not stated): gnomAD 0.00001; gnomAD exomes 0.00001; ExAC 0.00002; TOPMed 0.00003.
gnomAD v4.1: 9 of 1,607,774 alleles (0.00056%); highest among the groups gnomAD compares: East Asian, 0.0022%; no homozygotes.

Submission:

Labcorp Genetics (formerly Invitae), Labcorp
Classification: Uncertain significance for Peroxisome biogenesis disorder. Last evaluated: 2021-08-31. Review status: criteria provided, single submitter. Criteria: Invitae Variant Classification Sherloc (09022015). Collection method: clinical testing. Allele origin: germline.
Comment: This sequence change replaces proline with leucine at codon 182 of the PEX16 protein (p.Pro182Leu). The proline residue is highly conserved and there is a moderate physicochemical difference between proline and leucine. This variant is present in population databases (rs755516862, ExAC 0.01%). This variant has not been reported in the literature in individuals affected with PEX16-related conditions. Algorithms developed to predict the effect of missense changes on protein structure and function are either unavailable or do not agree on the potential impact of this missense change (SIFT: "Deleterious"; PolyPhen-2: "Probably Damaging"; Align-GVGD: "Class C0"). In summary, the available evidence is currently insufficient to determine the role of this variant in disease. Therefore, it has been classified as a Variant of Uncertain Significance.

NM_004813.4(PEX16):c.545C>T (p.Pro182Leu)

Gene: PEX16 (peroxisomal biogenesis factor 16; minus strand). Cytogenetic location: 11p11.2.
Variant type: single nucleotide variant.
Coding change: c.545C>T on transcript NM_004813.4 (MANE Select); coding-DNA position 545, C replaced by T.
Protein change: p.Pro182Leu; replaces proline 182 with leucine.
Molecular consequence: missense variant.
Genome position (GRCh38, 1-based): chr11:45,914,465, G>A on the plus strand (C>T on the coding strand, the complement: PEX16 is on the minus strand). VCF-style: chr11-45914465-G-A. GRCh37 (hg19) VCF-style: chr11-45936016-G-A.
Other names: c.545C>T, p.Pro182Leu (NM_057174.3); short protein forms P182L.
Identifiers: ClinVar variation 1056510 (VCV001056510.6), dbSNP rs755516862, ClinGen allele CA5959922.